The following is an entry in ClinVar:

NM_004994.3(MMP9):c.397C>T (p.Pro133Ser)

Gene: MMP9 (matrix metallopeptidase 9; plus strand). Cytogenetic location: 20q13.12.
Variant type: single nucleotide variant.
Coding change: c.397C>T on transcript NM_004994.3 (MANE Select); coding-DNA position 397, C replaced by T.
Protein change: p.Pro133Ser; replaces proline 133 with serine.
Molecular consequence: missense variant.
Genome position (GRCh38, 1-based): chr20:46,010,508, C>T. VCF-style: chr20-46010508-C-T. GRCh37 (hg19) VCF-style: chr20-44639147-C-T.
Other names: c.397C>T (NM_004994.2); short protein forms P133S.
Identifiers: ClinVar variation 2420436 (VCV002420436.7), dbSNP rs193209205, ClinGen allele CA9886378.

ClinVar aggregate classification (germline): Uncertain significance. Review status: criteria provided, multiple submitters, no conflicts (2 of 4 stars). 2 submissions from 2 submitters: Uncertain significance (2). Last evaluated 2025-11-05.

Allele frequency attached by ClinVar (database versions not stated): gnomAD exomes 0.00002; ExAC 0.00003; gnomAD 0.00007; TOPMed 0.00012; 1000 Genomes Project 0.00020; 1000 Genomes Project 30x 0.00031.
gnomAD v4.1: 40 of 1,614,210 alleles (0.0025%); highest among the groups gnomAD compares: Admixed American, 0.032%; no homozygotes.

Submissions (2):

Labcorp Genetics (formerly Invitae), Labcorp
Classification: Uncertain significance. Last evaluated: 2025-11-05. Review status: criteria provided, single submitter. Criteria: Invitae Variant Classification Sherloc (09022015). Collection method: clinical testing. Allele origin: germline.
Comment: This sequence change replaces proline, which is neutral and non-polar, with serine, which is neutral and polar, at codon 133 of the MMP9 protein (p.Pro133Ser). This variant is present in population databases (rs193209205, gnomAD 0.02%). This variant has not been reported in the literature in individuals affected with MMP9-related conditions. ClinVar contains an entry for this variant (Variation ID: 2420436). Invitae Evidence Modeling of protein sequence and biophysical properties (such as structural, functional, and spatial information, amino acid conservation, physicochemical variation, residue mobility, and thermodynamic stability) indicates that this missense variant is not expected to disrupt MMP9 protein function with a negative predictive value of 80%. In summary, the available evidence is currently insufficient to determine the role of this variant in disease. Therefore, it has been classified as a Variant of Uncertain Significance.

Ambry Genetics
Classification: Uncertain significance. Last evaluated: 2025-08-14. Review status: criteria provided, single submitter. Criteria: Ambry Variant Classification Scheme 2023. Collection method: clinical testing. Allele origin: germline.